The following is an entry in ClinVar:

ClinVar aggregate classification (germline): Likely benign. Review status: criteria provided, single submitter (1 of 4 stars). 2 submissions from 2 submitters: Likely benign (1). 1 of the submissions does not count toward it. Last evaluated 2024-04-29.

Conditions:
KMT2C-related disorder. Also called: KMT2C-related condition; KMT2C-related disorders.

Allele frequency attached by ClinVar (database versions not stated): gnomAD exomes below 0.00001; TOPMed below 0.00001; ExAC 0.00001.
gnomAD v4.1: 5 of 1,612,506 alleles (0.00031%); highest among the groups gnomAD compares: African/African-American, 0.0053%; no homozygotes.

Submissions (2):

Labcorp Genetics (formerly Invitae), Labcorp
Classification: Likely benign. Last evaluated: 2024-04-29. Review status: criteria provided, single submitter. Criteria: Invitae Variant Classification Sherloc (09022015). Collection method: clinical testing. Allele origin: germline.

PreventionGenetics, part of Exact Sciences
Classification: Likely benign for KMT2C-related condition. Last evaluated: 2019-05-21. Review status: no assertion criteria provided. Collection method: clinical testing. Allele origin: germline. Not counted in ClinVar's aggregate classification.
Comment: This variant is classified as likely benign based on ACMG/AMP sequence variant interpretation guidelines (Richards et al. 2015 PMID: 25741868, with internal and published modifications).

NM_170606.3(KMT2C):c.4389T>C (p.Pro1463=)

Gene: KMT2C (lysine methyltransferase 2C; minus strand). Cytogenetic location: 7q36.1.
Variant type: single nucleotide variant.
Coding change: c.4389T>C on transcript NM_170606.3 (MANE Select); coding-DNA position 4389, T replaced by C.
Protein change: p.Pro1463=; no amino-acid change (proline 1463 retained).
Molecular consequence: synonymous variant.
Genome position (GRCh38, 1-based): chr7:152,194,558, A>G on the plus strand (T>C on the coding strand, the complement: KMT2C is on the minus strand). VCF-style: chr7-152194558-A-G. GRCh37 (hg19) VCF-style: chr7-151891643-A-G.
Identifiers: ClinVar variation 3039649 (VCV003039649.4), dbSNP rs753575812, ClinGen allele CA4580546.